The following is an entry in ClinVar:

NM_013275.6(ANKRD11):c.5329C>T (p.Gln1777Ter)

Gene: ANKRD11 (ankyrin repeat domain 11; minus strand). Cytogenetic location: 16q24.3.
Variant type: single nucleotide variant.
Coding change: c.5329C>T on transcript NM_013275.6 (MANE Select); coding-DNA position 5329, C replaced by T.
Protein change: p.Gln1777Ter; replaces glutamine 1777 with a stop codon.
Molecular consequence: nonsense.
Genome position (GRCh38, 1-based): chr16:89,281,213, G>A on the plus strand (C>T on the coding strand, the complement: ANKRD11 is on the minus strand). VCF-style: chr16-89281213-G-A. GRCh37 (hg19) VCF-style: chr16-89347621-G-A.
Other names: c.5329C>T, p.Gln1777Ter (NM_001256182.2, NM_001256183.2); short protein forms Q1777*.
Identifiers: ClinVar variation 4890758 (VCV004890758.1).

ClinVar aggregate classification (germline): Pathogenic (1 of 4 stars; one submission).

Conditions:
KBG syndrome (KBGS). Also called: ANKRD11-Related KBG Syndrome. Identifiers: Orphanet 2332, MedGen C0220687, MONDO:0007846, OMIM 148050.

Submission:

Institute of Human Genetics, University of Leipzig Medical Center
Classification: Pathogenic for KBG syndrome. Last evaluated: 2026-08-25. Review status: criteria provided, single submitter. Criteria: ACMG Guidelines, 2015. Collection method: clinical testing. Allele origin: de novo. Inheritance: X-linked dominant inheritance. Affected: yes.
Comment: Criteria applied: PVS1,PM2,PS2_MOD